The following is an entry in ClinVar:

ClinVar aggregate classification (germline): Uncertain significance (1 of 4 stars; one submission).

Submission:

Labcorp Genetics (formerly Invitae), Labcorp
Classification: Uncertain significance. Last evaluated: 2024-09-08. Review status: criteria provided, single submitter. Criteria: Invitae Variant Classification Sherloc (09022015). Collection method: clinical testing. Allele origin: germline.
Comment: This sequence change replaces serine, which is neutral and polar, with tyrosine, which is neutral and polar, at codon 671 of the RFWD3 protein (p.Ser671Tyr). This variant is not present in population databases (gnomAD no frequency). This variant has not been reported in the literature in individuals affected with RFWD3-related conditions. An algorithm developed to predict the effect of missense changes on protein structure and function (PolyPhen-2) suggests that this variant is likely to be disruptive. In summary, the available evidence is currently insufficient to determine the role of this variant in disease. Therefore, it has been classified as a Variant of Uncertain Significance.

NM_018124.4(RFWD3):c.2012C>A (p.Ser671Tyr)

Gene: RFWD3 (ring finger and WD repeat domain 3; minus strand). Cytogenetic location: 16q23.1.
Variant type: single nucleotide variant.
Coding change: c.2012C>A on transcript NM_018124.4 (MANE Select); coding-DNA position 2012, C replaced by A.
Protein change: p.Ser671Tyr; replaces serine 671 with tyrosine.
Molecular consequence: missense variant.
Genome position (GRCh38, 1-based): chr16:74,626,512, G>T on the plus strand (C>A on the coding strand, the complement: RFWD3 is on the minus strand). VCF-style: chr16-74626512-G-T. GRCh37 (hg19) VCF-style: chr16-74660410-G-T.
Other names: c.1178C>A, p.Ser393Tyr (NM_001370543.1, NM_001370537.1, NM_001370539.1 and 2 more transcripts); c.2012C>A, p.Ser671Tyr (NM_001370534.1, NM_001370535.1); c.1835C>A, p.Ser612Tyr (NM_001370536.1); short protein forms S393Y, S671Y, S612Y.
Identifiers: ClinVar variation 3664275 (VCV003664275.2).